The following is an entry in ClinVar:

ClinVar aggregate classification (germline): Pathogenic (1 of 4 stars; one submission).

Submission:

Labcorp Genetics (formerly Invitae), Labcorp
Classification: Pathogenic. Last evaluated: 2022-09-13. Review status: criteria provided, single submitter. Criteria: Invitae Variant Classification Sherloc (09022015). Collection method: clinical testing. Allele origin: germline.
Comment: This sequence change creates a premature translational stop signal (p.Glu1912*) in the NBAS gene. It is expected to result in an absent or disrupted protein product. Loss-of-function variants in NBAS are known to be pathogenic (PMID: 26073778, 26541327, 27789416, 28031453). This variant is not present in population databases (gnomAD no frequency). This variant has not been reported in the literature in individuals affected with NBAS-related conditions. ClinVar contains an entry for this variant (Variation ID: 1456868). Algorithms developed to predict the effect of sequence changes on RNA splicing suggest that this variant may create or strengthen a splice site. For these reasons, this variant has been classified as Pathogenic.

Literature cited by the submitters: PubMed 26073778; PubMed 26541327; PubMed 27789416; PubMed 28031453.

NM_015909.4(NBAS):c.5734G>T (p.Glu1912Ter)

Gene: NBAS (NBAS subunit of NRZ tethering complex; minus strand). Cytogenetic location: 2p24.3.
Variant type: single nucleotide variant.
Coding change: c.5734G>T on transcript NM_015909.4 (MANE Select); coding-DNA position 5734, G replaced by T.
Protein change: p.Glu1912Ter; replaces glutamic acid 1912 with a stop codon.
Molecular consequence: nonsense. On other transcripts: non-coding transcript variant (1).
Genome position (GRCh38, 1-based): chr2:15,238,677, C>A on the plus strand (G>T on the coding strand, the complement: NBAS is on the minus strand). VCF-style: chr2-15238677-C-A. GRCh37 (hg19) VCF-style: chr2-15378801-C-A.
Other names: short protein forms E1912*.
Identifiers: ClinVar variation 1456868 (VCV001456868.6), dbSNP rs2147945805, ClinGen allele CA345892251.